The following is an entry in ClinVar:

ClinVar aggregate classification (germline): Uncertain significance (1 of 4 stars; one submission).

Conditions:
NIPBL-related disorder. Also called: NIPBL-related condition.

gnomAD v4.1: 1 of 1,613,814 alleles (0.000062%); highest among the groups gnomAD compares: Non-Finnish European, 0.000085%; no homozygotes.

Submission:

PreventionGenetics, part of Exact Sciences
Classification: Uncertain significance for NIPBL-related condition. Last evaluated: 2026-06-02. Review status: criteria provided, single submitter. Criteria: ACMG Guidelines, 2015. Collection method: clinical testing. Allele origin: germline.
Comment: The NIPBL c.1373A>G variant is predicted to result in the amino acid substitution p.Gln458Arg. To our knowledge, this variant has not been reported in the literature or in a large population database (gnomAD), indicating this variant is rare. At this time, the clinical significance of this variant is uncertain due to the absence of conclusive functional and genetic evidence.

NM_133433.4(NIPBL):c.1373A>G (p.Gln458Arg)

Gene: NIPBL (NIPBL cohesin loading factor; plus strand). Cytogenetic location: 5p13.2.
Variant type: single nucleotide variant.
Coding change: c.1373A>G on transcript NM_133433.4 (MANE Select); coding-DNA position 1373, A replaced by G.
Protein change: p.Gln458Arg; replaces glutamine 458 with arginine.
Molecular consequence: missense variant.
Genome position (GRCh38, 1-based): chr5:36,976,280, A>G. VCF-style: chr5-36976280-A-G. GRCh37 (hg19) VCF-style: chr5-36976382-A-G.
Other names: c.1373A>G, p.Gln458Arg (NM_001438586.1, NM_015384.5); short protein forms Q458R.
Identifiers: ClinVar variation 4992475 (VCV004992475.1).
Genomic context (GRCh38, chr5:36,976,280, plus strand): 5'-AACAGAACACTTCAGTTGCTGCAAAACAACCCCAGACTTCTGTGGTACAGAATCAACAAC[A>G]GATATCACAACAGGGACCTATATATGATGAAGTGGAATTGGATGCATTGGCTGAAATTGA-3'
Protein context (NP_597677.2, residues 448-468): PQTSVVQNQQ[Gln458Arg]ISQQGPIYDE